The following is an entry in ClinVar:

ClinVar aggregate classification (germline): Conflicting classifications of pathogenicity. Review status: criteria provided, conflicting classifications (1 of 4 stars). 5 submissions from 5 submitters: Uncertain significance (1); Likely benign (4). Last evaluated 2025-03-12.

Conditions:
CFTR-related disorder (CFTR-RD). Also called: CFTR-related condition; CFTR-related disorders. Identifiers: MedGen C5924204, MONDO:7770004.
Cystic fibrosis (CF). Also called: MUCOVISCIDOSIS. Identifiers: Orphanet 586, MedGen C0010674, MONDO:0009061, OMIM 219700. Disease mechanism: loss of function.

Allele frequency attached by ClinVar (database versions not stated): ExAC 0.00001; gnomAD 0.00001; TOPMed 0.00001; gnomAD exomes 0.00002 and 0.00005.
gnomAD v4.1: 72 of 1,613,116 alleles (0.0045%); highest among the groups gnomAD compares: Non-Finnish European, 0.0058%; no homozygotes.

Submissions (5):

PreventionGenetics, part of Exact Sciences
Classification: Likely benign for CFTR-related condition. Last evaluated: 2025-03-12. Review status: criteria provided, single submitter. Criteria: ACMG Guidelines, 2015. Collection method: clinical testing. Allele origin: germline.
Comment: This variant is classified as likely benign based on ACMG/AMP sequence variant interpretation guidelines (Richards et al. 2015 PMID: 25741868, with internal and published modifications).

Women's Health and Genetics/Laboratory Corporation of America, LabCorp
Classification: Likely benign. Last evaluated: 2025-02-25. Review status: criteria provided, single submitter. Criteria: LabCorp Variant Classification Summary - May 2015. Collection method: clinical testing. Allele origin: germline.

Labcorp Genetics (formerly Invitae), Labcorp
Classification: Likely benign for Cystic fibrosis. Last evaluated: 2024-06-20. Review status: criteria provided, single submitter. Criteria: Invitae Variant Classification Sherloc (09022015). Collection method: clinical testing. Allele origin: germline.

Ambry Genetics
Classification: Likely benign for Cystic fibrosis. Last evaluated: 2021-11-09. Review status: criteria provided, single submitter. Criteria: Ambry Variant Classification Scheme 2023. Collection method: clinical testing. Allele origin: germline.

Eurofins Ntd Llc (ga)
Classification: Uncertain significance. Last evaluated: 2018-05-25. Review status: criteria provided, single submitter. Criteria: EGL ClinVar v180209 classification definitions. Collection method: clinical testing. Allele origin: germline. Observed: 1 variant allele, 1 heterozygote.

NM_000492.4(CFTR):c.3036A>G (p.Gln1012=)

Genes: CFTR (CF transmembrane conductance regulator; plus strand), CFTR-AS2 (CFTR antisense RNA 2; minus strand), LOC111674472 (DNase I hypersensitive sites in introns 16 and 17a of CFTR; plus strand). Cytogenetic location: 7q31.2.
Variant type: single nucleotide variant.
Coding change: c.3036A>G on transcript NM_000492.4 (MANE Select); coding-DNA position 3036, A replaced by G.
Protein change: p.Gln1012=; no amino-acid change (glutamine 1012 retained).
Molecular consequence: synonymous variant.
Genome position (GRCh38, 1-based): chr7:117,610,566, A>G. VCF-style: chr7-117610566-A-G. GRCh37 (hg19) VCF-style: chr7-117250620-A-G.
Identifiers: ClinVar variation 597363 (VCV000597363.17), dbSNP rs537934752, ClinGen allele CA4451367.